The following is an entry in ClinVar:

NM_000051.4(ATM):c.6412A>G (p.Arg2138Gly)

Genes: ATM (ATM serine/threonine kinase; plus strand), C11orf65 (chromosome 11 open reading frame 65; minus strand). Cytogenetic location: 11q22.3.
Variant type: single nucleotide variant.
Coding change: c.6412A>G on transcript NM_000051.4 (MANE Select); coding-DNA position 6412, A replaced by G.
Protein change: p.Arg2138Gly; replaces arginine 2138 with glycine.
Molecular consequence: missense variant. On other transcripts: intron variant (2).
Genome position (GRCh38, 1-based): chr11:108,320,018, A>G. VCF-style: chr11-108320018-A-G. GRCh37 (hg19) VCF-style: chr11-108190745-A-G.
Other names: NP_000042.3:p.Arg2138Gly; c.6412A>G, p.Arg2138Gly (NM_001351834.2); c.641-10947T>C (NM_001330368.2); c.*39-10947T>C (NM_001351110.2); short protein forms R2138G.
Identifiers: ClinVar variation 231452 (VCV000231452.28), dbSNP rs752069869, ClinGen allele CA6265932.
Genomic context (GRCh38, chr11:108,320,018, plus strand): 5'-GAAGTAGAAGGAACCAGTTACCATGAATCATTGTACAATGCTCTACAATCTCTAAGAGAC[A>G]GAGAATTCTCTACATTTTATGAAAGTCTCAAATATGCCAGGTATTATGAAAAGACAAAGT-3'
Protein context (NP_000042.3, residues 2128-2148): LYNALQSLRD[Arg2138Gly]EFSTFYESLK

ClinVar aggregate classification (germline): Uncertain significance. Review status: criteria provided, multiple submitters, no conflicts (2 of 4 stars). 6 submissions from 6 submitters: Uncertain significance (5). 1 of the submissions does not count toward it. Last evaluated 2025-08-20.

Conditions:
Hereditary cancer-predisposing syndrome. Also called: Neoplastic Syndromes, Hereditary; Hereditary neoplastic syndrome; Tumor predisposition; Hereditary Cancer Syndrome. Identifiers: Orphanet 140162, MedGen C0027672, MeSH D009386, MONDO:0015356.
Ataxia-telangiectasia syndrome (AT). Also called: Ataxia telangiectasia (A-T); Cerebello-oculocutaneous telangiectasia; Immunodeficiency with ataxia telangiectasia; LOUIS-BAR SYNDROME; AT, COMPLEMENTATION GROUP C; ATAXIA-TELANGIECTASIA, FRESNO VARIANT. Identifiers: Orphanet 100, MedGen C0004135, MONDO:0008840, OMIM 208900.
Familial cancer of breast. Also called: hereditary breast carcinoma; Hereditary breast cancer; BREAST CANCER, FAMILIAL. Identifiers: Orphanet 227535, MedGen C0346153, MONDO:0016419, OMIM 114480. Disease mechanism: loss of function.
Hereditary breast ovarian cancer syndrome. Also called: BRCA1- and BRCA2-Associated Hereditary Breast and Ovarian Cancer; Hereditary breast and/or ovarian cancer syndrome; Hereditary breast and ovarian cancer syndrome (HBOC); Hereditary breast and ovarian cancer syndrome; Hereditary breast and ovarian cancer; Breast and ovarian cancer. Identifiers: Orphanet 145, MedGen C0677776, MeSH D061325, MONDO:0003582. Disease mechanism: loss of function.

Allele frequency attached by ClinVar (database versions not stated): gnomAD exomes 0.00001; ExAC 0.00001.
gnomAD v4.1: 10 of 1,611,386 alleles (0.00062%); highest among the groups gnomAD compares: South Asian, 0.0077%; no homozygotes.

Submissions (6):

Ambry Genetics
Classification: Uncertain significance for Hereditary cancer-predisposing syndrome. Last evaluated: 2025-08-20. Review status: criteria provided, single submitter. Criteria: Ambry Variant Classification Scheme 2023. Collection method: clinical testing. Allele origin: germline.
Comment: The p.R2138G variant (also known as c.6412A>G), located in coding exon 43 of the ATM gene, results from an A to G substitution at nucleotide position 6412. The arginine at codon 2138 is replaced by glycine, an amino acid with dissimilar properties. This variant was not reported in population based cohorts in the following databases: Database of Single Nucleotide Polymorphisms (dbSNP), NHLBI Exome Sequencing Project (ESP), and 1000 Genomes Project. In the ESP, this variant was not observed in 6495 samples (12990 alleles) with coverage at this position. To date, this alteration has been detected with an allele frequency of approximately 0.001% (greater than 180000 alleles tested) in our clinical cohort. This amino acid position is poorly conserved in available vertebrate species. In addition, this alteration is predicted to be benign and tolerated by PolyPhen and SIFT in silico analyses, respectively. Since supporting evidence is limited at this time, the clinical significance of this alteration remains unclear.

Color Diagnostics, LLC DBA Color Health
Classification: Uncertain significance for Hereditary cancer-predisposing syndrome. Last evaluated: 2024-03-06. Review status: criteria provided, single submitter. Criteria: ACMG Guidelines, 2015. Collection method: clinical testing. Allele origin: germline.
Comment: This missense variant replaces arginine with glycine at codon 2138 of the ATM protein. Computational prediction suggests that this variant may not impact protein structure and function (internally defined REVEL score threshold <= 0.5, PMID: 27666373). To our knowledge, functional studies have not been reported for this variant. This variant has not been reported in individuals affected with hereditary cancer in the literature. This variant has been identified in 3/249536 chromosomes in the general population by the Genome Aggregation Database (gnomAD). The available evidence is insufficient to determine the role of this variant in disease conclusively. Therefore, this variant is classified as a Variant of Uncertain Significance.

Baylor Genetics
Classification: Uncertain significance for Familial cancer of breast. Last evaluated: 2023-05-19. Review status: criteria provided, single submitter. Criteria: ACMG Guidelines, 2015. Collection method: clinical testing. Allele origin: unknown.

Labcorp Genetics (formerly Invitae), Labcorp
Classification: Uncertain significance for Ataxia-telangiectasia syndrome. Last evaluated: 2022-10-31. Review status: criteria provided, single submitter. Criteria: Invitae Variant Classification Sherloc (09022015). Collection method: clinical testing. Allele origin: germline.
Comment: This sequence change replaces arginine, which is basic and polar, with glycine, which is neutral and non-polar, at codon 2138 of the ATM protein (p.Arg2138Gly). This variant is present in population databases (rs752069869, gnomAD 0.007%). This variant has not been reported in the literature in individuals affected with ATM-related conditions. ClinVar contains an entry for this variant (Variation ID: 231452). Algorithms developed to predict the effect of missense changes on protein structure and function output the following: SIFT: "Deleterious"; PolyPhen-2: "Benign"; Align-GVGD: "Class C45". The glycine amino acid residue is found in multiple mammalian species, which suggests that this missense change does not adversely affect protein function. In summary, the available evidence is currently insufficient to determine the role of this variant in disease. Therefore, it has been classified as a Variant of Uncertain Significance.

National Health Laboratory Service, Universitas Academic Hospital and University of the Free State
Classification: Uncertain significance for Hereditary breast ovarian cancer syndrome. Last evaluated: 2022-04-19. Review status: criteria provided, single submitter. Criteria: ACMG Guidelines, 2015. Collection method: clinical testing. Allele origin: germline. Affected: yes. Observed: 1 variant allele.

Natera, Inc.
Classification: Uncertain significance for Ataxia-telangiectasia. Last evaluated: 2019-10-28. Review status: no assertion criteria provided. Collection method: clinical testing. Allele origin: germline. Not counted in ClinVar's aggregate classification.